The following is an entry in ClinVar:

ClinVar aggregate classification (germline): Uncertain significance (1 of 4 stars; one submission).

Conditions:
Spastic paraplegia. Identifiers: MedGen C0037772, HP:0001258.

Submission:

Labcorp Genetics (formerly Invitae), Labcorp
Classification: Uncertain significance for Spastic paraplegia. Last evaluated: 2021-02-07. Review status: criteria provided, single submitter. Criteria: Invitae Variant Classification Sherloc (09022015). Collection method: clinical testing. Allele origin: germline.
Comment: In summary, the available evidence is currently insufficient to determine the role of this variant in disease. Therefore, it has been classified as a Variant of Uncertain Significance. Algorithms developed to predict the effect of missense changes on protein structure and function are either unavailable or do not agree on the potential impact of this missense change (SIFT: "Deleterious"; PolyPhen-2: "Probably Damaging"; Align-GVGD: "Class C0"). This variant has been observed in individual(s) with hereditary spastic paraparesis (Invitae). This variant is not present in population databases (ExAC no frequency). This sequence change replaces proline with leucine at codon 494 of the CYP7B1 protein (p.Pro494Leu). The proline residue is moderately conserved and there is a moderate physicochemical difference between proline and leucine.

NM_004820.5(CYP7B1):c.1481C>T (p.Pro494Leu)

Gene: CYP7B1 (cytochrome P450 family 7 subfamily B member 1; minus strand). Cytogenetic location: 8q12.3.
Variant type: single nucleotide variant.
Coding change: c.1481C>T on transcript NM_004820.5 (MANE Select); coding-DNA position 1481, C replaced by T.
Protein change: p.Pro494Leu; replaces proline 494 with leucine.
Molecular consequence: missense variant. On other transcripts: intron variant (1).
Genome position (GRCh38, 1-based): chr8:64,596,682, G>A on the plus strand (C>T on the coding strand, the complement: CYP7B1 is on the minus strand). VCF-style: chr8-64596682-G-A. GRCh37 (hg19) VCF-style: chr8-65509239-G-A.
Other names: c.1234-6838C>T (NM_001324112.2); short protein forms P494L.
Identifiers: ClinVar variation 1429549 (VCV001429549.8), dbSNP rs1394882103, ClinGen allele CA371333077.